The following is an entry in ClinVar:

ClinVar aggregate classification (germline): Likely pathogenic (1 of 4 stars; one submission).

Conditions:
Leber congenital amaurosis 3 (LCA3). Also called: SPATA7-Related Retinitis Pigmentosa. Identifiers: MedGen C1858677, MONDO:0011415, OMIM 604232.

Submission:

3billion
Classification: Likely pathogenic for Leber congenital amaurosis 3. Last evaluated: 2023-12-20. Review status: criteria provided, single submitter. Criteria: ACMG Guidelines, 2015. Collection method: clinical testing. Allele origin: germline. Affected: yes.
Comment: The variant is not observed in the gnomAD v2.1.1 dataset. Predicted Consequence/Location: Frameshift: predicted to result in a loss or disruption of normal protein function through nonsense-mediated decay (NMD) or protein truncation. Multiple pathogenic variants are reported downstream of the variant. Therefore, this variant is classified as Likely pathogenic according to the recommendation of ACMG/AMP guideline.

NM_018418.5(SPATA7):c.578_579del (p.Leu193fs)

Gene: SPATA7 (spermatogenesis associated 7; plus strand). Cytogenetic location: 14q31.3.
Variant type: Deletion.
Coding change: c.578_579del on transcript NM_018418.5 (MANE Select); coding-DNA positions 578 to 579, 2 bases deleted (TG; older notation c.578_579delTG).
Protein change: p.Leu193fs; shifts the reading frame from leucine 193.
Molecular consequence: frameshift variant.
Genome position (GRCh38, 1-based): chr14:88,426,437-88,426,438, TG deleted. VCF-style (leftmost placement, unchanged base first): chr14-88426436-CTG-C. GRCh37 (hg19) VCF-style: chr14-88892780-CTG-C.
Other names: c.482_483del, p.Leu161fs (NM_001040428.4); short protein forms L161fs, L193fs.
Identifiers: ClinVar variation 3776064 (VCV003776064.1).
Genomic context (GRCh38, chr14:88,426,436, plus strand): 5'-GAGAAGAACTCCAGTTCCTCCCCGTCCAGTGTGGATTATGCAGCCTCCGGGCCCCGGAAA[CTG>C]AGCTCTGGAGCCCTGTATGGCAGAAGGCCCAGAAGCACATTCCCAAATTCCCACCGGTTT-3'